The following is an entry in ClinVar:

ClinVar aggregate classification (germline): Uncertain significance. Review status: criteria provided, multiple submitters, no conflicts (2 of 4 stars). 2 submissions from 2 submitters: Uncertain significance (2). Last evaluated 2026-04-30.

Conditions:
Melanoma, cutaneous malignant, susceptibility to, 8. Also called: MELANOMA AND RENAL CELL CARCINOMA, SUSCEPTIBILITY TO; Cutaneous malignant melanoma 8. Identifiers: Orphanet 293822, MedGen C3152204, MONDO:0013759, OMIM 614456.
Tietz syndrome (TADS). Also called: ALBINISM-DEAFNESS OF TIETZ; HYPOPIGMENTATION/DEAFNESS OF TIETZ; TIETZ ALBINISM-DEAFNESS SYNDROME. Identifiers: Orphanet 42665, MedGen C0391816, MONDO:0007077, OMIM 103500.
Waardenburg syndrome type 2A (WS2A). Also called: WAARDENBURG SYNDROME WITHOUT DYSTOPIA CANTHORUM. Identifiers: Orphanet 3440, MedGen C1860339, MONDO:0008671, OMIM 193510.

Allele frequency attached by ClinVar (database versions not stated): gnomAD exomes 0.00001.
gnomAD v4.1: 19 of 1,613,628 alleles (0.0012%); highest among the groups gnomAD compares: Non-Finnish European, 0.0015%; no homozygotes.

Submissions (2):

GeneDx
Classification: Uncertain significance. Last evaluated: 2026-04-30. Review status: criteria provided, single submitter. Criteria: GeneDx Variant Classification Process June 2021. Collection method: clinical testing. Allele origin: germline.
Comment: Identified in a family with Waardenburg but did not segregate with disease (PMID: 20127975); In silico analysis supports that this missense variant has a deleterious effect on protein structure/function; This variant is associated with the following publications: (PMID: 29115496, 20127975)

Labcorp Genetics (formerly Invitae), Labcorp
Classification: Uncertain significance for Melanoma, cutaneous malignant, susceptibility to, 8; Waardenburg syndrome type 2A; Tietz syndrome. Last evaluated: 2024-07-23. Review status: criteria provided, single submitter. Criteria: Invitae Variant Classification Sherloc (09022015). Collection method: clinical testing. Allele origin: germline.
Comment: This sequence change replaces glutamine, which is neutral and polar, with histidine, which is basic and polar, at codon 161 of the MITF protein (p.Gln161His). This variant is present in population databases (rs567842156, gnomAD 0.007%). This variant has not been reported in the literature in individuals affected with MITF-related conditions. ClinVar contains an entry for this variant (Variation ID: 2663180). Advanced modeling of protein sequence and biophysical properties (such as structural, functional, and spatial information, amino acid conservation, physicochemical variation, residue mobility, and thermodynamic stability) performed at Invitae indicates that this missense variant is not expected to disrupt MITF protein function with a negative predictive value of 80%. In summary, the available evidence is currently insufficient to determine the role of this variant in disease. Therefore, it has been classified as a Variant of Uncertain Significance.

NM_001354604.2(MITF):c.804A>T (p.Gln268His)

Gene: MITF (melanocyte inducing transcription factor; plus strand). Cytogenetic location: 3p13.
Variant type: single nucleotide variant.
Coding change: c.804A>T on transcript NM_001354604.2 (MANE Select); coding-DNA position 804, A replaced by T.
Protein change: p.Gln268His; replaces glutamine 268 with histidine.
Molecular consequence: missense variant.
Genome position (GRCh38, 1-based): chr3:69,949,092, A>T. VCF-style: chr3-69949092-A-T. GRCh37 (hg19) VCF-style: chr3-69998243-A-T.
Other names: c.483A>T, p.Gln161His (NM_000248.4, NM_198158.3); c.648A>T, p.Gln216His (NM_001184967.2, NM_001354608.2); c.801A>T, p.Gln267His (NM_001354605.2, NM_001354606.2, NM_006722.3); c.753A>T, p.Gln251His (NM_001354607.2); c.804A>T, p.Gln268His (NM_198159.3); c.756A>T, p.Gln252His (NM_198177.3); c.315A>T, p.Gln105His (NM_198178.3); short protein forms Q105H, Q161H, Q216H, Q251H, Q252H, Q267H, Q268H.
Identifiers: ClinVar variation 2663180 (VCV002663180.3), dbSNP rs567842156, ClinGen allele CA77001739.